The following is an entry in ClinVar:

NM_001278716.2(FBXL4):c.1628A>C (p.Asn543Thr)

Gene: FBXL4 (F-box and leucine rich repeat protein 4; minus strand). Cytogenetic location: 6q16.1.
Variant type: single nucleotide variant.
Coding change: c.1628A>C on transcript NM_001278716.2 (MANE Select); coding-DNA position 1628, A replaced by C.
Protein change: p.Asn543Thr; replaces asparagine 543 with threonine.
Molecular consequence: missense variant. On other transcripts: non-coding transcript variant (1).
Genome position (GRCh38, 1-based): chr6:98,875,489, T>G on the plus strand (A>C on the coding strand, the complement: FBXL4 is on the minus strand). VCF-style: chr6-98875489-T-G. GRCh37 (hg19) VCF-style: chr6-99323365-T-G.
Other names: c.1628A>C, p.Asn543Thr (NM_012160.5); short protein forms N543T.
Identifiers: ClinVar variation 437780 (VCV000437780.1), dbSNP rs371973036, ClinGen allele CA3933413.

ClinVar aggregate classification (germline): Uncertain significance (1 of 4 stars; one submission).

Conditions:
Mitochondrial DNA depletion syndrome 13. Also called: FBXL4-Related Encephalomyopathic Mitochondrial DNA Depletion Syndrome; Mitochondrial DNA depletion syndrome 13 (encephalomyopathic type). Identifiers: Orphanet 369897, MedGen C3809592, MONDO:0014198, OMIM 615471.

Allele frequency attached by ClinVar (database versions not stated): gnomAD exomes below 0.00001; ExAC 0.00001.

Submission:

Wong Mito Lab, Molecular and Human Genetics, Baylor College of Medicine
Classification: Uncertain significance for Mitochondrial DNA depletion syndrome 13. Last evaluated: 2017-08-10. Review status: criteria provided, single submitter. Criteria: ACMG Guidelines, 2015. Collection method: reference population. Allele origin: germline.
Comment: The NM_012160.4:c.1628A>C (NP_036292.2:p.Asn543Thr) [GRCH38: NC_000006.12:g.98875489T>G] variant in FBXL4 gene is interpretated to be a Uncertain Significance - Insufficient Evidence based on ACMG guidelines (PMID: 25741868). This variant meets one or more of the following evidence codes reported in the ACMG-guideline. PM2:This variant is absent in key population databases. Based on this evidence code ClinGen Pathogenicity Calculator (PMID:28081714) suggested that the variant is Uncertain Significance - Insufficient Evidence.